The following is an entry in ClinVar:

NM_003000.3(SDHB):c.677T>C (p.Phe226Ser)

Gene: SDHB (succinate dehydrogenase complex iron sulfur subunit B; minus strand). Cytogenetic location: 1p36.13.
Variant type: single nucleotide variant.
Coding change: c.677T>C on transcript NM_003000.3 (MANE Select); coding-DNA position 677, T replaced by C.
Protein change: p.Phe226Ser; replaces phenylalanine 226 with serine.
Molecular consequence: missense variant.
Genome position (GRCh38, 1-based): chr1:17,022,696, A>G on the plus strand (T>C on the coding strand, the complement: SDHB is on the minus strand). VCF-style: chr1-17022696-A-G. GRCh37 (hg19) VCF-style: chr1-17349191-A-G.
Other names: c.623T>C, p.Phe208Ser (NM_001407361.1); short protein forms F208S, F226S.
Identifiers: ClinVar variation 1755393 (VCV001755393.2), dbSNP rs2525004237, ClinGen allele CA338270387.

ClinVar aggregate classification (germline): Uncertain significance (1 of 4 stars; one submission).

Conditions:
Hereditary cancer-predisposing syndrome. Also called: Neoplastic Syndromes, Hereditary; Tumor predisposition; Hereditary Cancer Syndrome; Hereditary neoplastic syndrome. Identifiers: Orphanet 140162, MedGen C0027672, MeSH D009386, MONDO:0015356.

Submission:

Ambry Genetics
Classification: Uncertain significance for Hereditary cancer-predisposing syndrome. Last evaluated: 2022-04-24. Review status: criteria provided, single submitter. Criteria: Ambry Variant Classification Scheme 2023. Collection method: clinical testing. Allele origin: germline.
Comment: The p.F226S variant (also known as c.677T>C), located in coding exon 7 of the SDHB gene, results from a T to C substitution at nucleotide position 677. The phenylalanine at codon 226 is replaced by serine, an amino acid with highly dissimilar properties. This amino acid position is conserved. In addition, this alteration is predicted to be deleterious by in silico analysis. Since supporting evidence is limited at this time, the clinical significance of this alteration remains unclear.